The following is an entry in ClinVar:

NM_020884.7(MYH7B):c.1708C>T (p.Arg570Trp)

Gene: MYH7B (myosin heavy chain 7B; plus strand). Cytogenetic location: 20q11.22.
Variant type: single nucleotide variant.
Coding change: c.1708C>T on transcript NM_020884.7 (MANE Select); coding-DNA position 1708, C replaced by T.
Protein change: p.Arg570Trp; replaces arginine 570 with tryptophan.
Molecular consequence: missense variant.
Genome position (GRCh38, 1-based): chr20:34,989,860, C>T. VCF-style: chr20-34989860-C-T. GRCh37 (hg19) VCF-style: chr20-33577663-C-T.
Other names: c.1834C>T (NM_020884.4); short protein forms R570W.
Identifiers: ClinVar variation 3704546 (VCV003704546.3).

ClinVar aggregate classification (germline): Uncertain significance. Review status: criteria provided, multiple submitters, no conflicts (2 of 4 stars). 2 submissions from 2 submitters: Uncertain significance (2). Last evaluated 2026-03-06.

Conditions:
MYH7B-related disorder. Also called: MYH7B-related condition.

gnomAD v4.1: 42 of 1,614,184 alleles (0.0026%); highest among the groups gnomAD compares: East Asian, 0.027%; no homozygotes.

Submissions (2):

PreventionGenetics, part of Exact Sciences
Classification: Uncertain significance for MYH7B-related condition. Last evaluated: 2026-03-06. Review status: criteria provided, single submitter. Criteria: ACMG Guidelines, 2015. Collection method: clinical testing. Allele origin: germline.
Comment: The MYH7B c.1834C>T variant is predicted to result in the amino acid substitution p.Arg612Trp. To our knowledge, this variant has not been reported in the literature. This variant is reported in 0.044% of alleles in individuals of East Asian descent in gnomAD. At this time, the clinical significance of this variant is uncertain due to the absence of conclusive functional and genetic evidence.

Labcorp Genetics (formerly Invitae), Labcorp
Classification: Uncertain significance. Last evaluated: 2025-10-31. Review status: criteria provided, single submitter. Criteria: Invitae Variant Classification Sherloc (09022015). Collection method: clinical testing. Allele origin: germline.
Comment: This sequence change replaces arginine, which is basic and polar, with tryptophan, which is neutral and slightly polar, at codon 612 of the MYH7B protein (p.Arg612Trp). This variant is present in population databases (rs201324012, gnomAD 0.05%). This variant has not been reported in the literature in individuals affected with MYH7B-related conditions. ClinVar contains an entry for this variant (Variation ID: 3704546). Invitae Evidence Modeling of protein sequence and biophysical properties (such as structural, functional, and spatial information, amino acid conservation, physicochemical variation, residue mobility, and thermodynamic stability) has been performed for this missense variant. However, the output from this modeling did not meet the statistical confidence thresholds required to predict the impact of this variant on MYH7B protein function. In summary, the available evidence is currently insufficient to determine the role of this variant in disease. Therefore, it has been classified as a Variant of Uncertain Significance.